The following is an entry in ClinVar:

ClinVar aggregate classification (germline): Uncertain significance (1 of 4 stars; one submission).

Conditions:
Autoimmune lymphoproliferative syndrome type 1. Also called: AUTOIMMUNE LYMPHOPROLIFERATIVE SYNDROME, TYPE I, AUTOSOMAL DOMINANT. Identifiers: Orphanet 3261, MedGen C2717884, MONDO:0011158, OMIM 601859.

Allele frequency attached by ClinVar (database versions not stated): gnomAD exomes 0.00001; TOPMed 0.00001.
gnomAD v4.1: 21 of 1,614,188 alleles (0.0013%); highest among the groups gnomAD compares: Non-Finnish European, 0.0018%; no homozygotes.

Submission:

Labcorp Genetics (formerly Invitae), Labcorp
Classification: Uncertain significance for Autoimmune lymphoproliferative syndrome. Last evaluated: 2023-08-17. Review status: criteria provided, single submitter. Criteria: Invitae Variant Classification Sherloc (09022015). Collection method: clinical testing. Allele origin: germline.
Comment: In summary, the available evidence is currently insufficient to determine the role of this variant in disease. Therefore, it has been classified as a Variant of Uncertain Significance. An algorithm developed to predict the effect of missense changes on protein structure and function (PolyPhen-2) suggests that this variant is likely to be tolerated. ClinVar contains an entry for this variant (Variation ID: 2083953). This variant has not been reported in the literature in individuals affected with FAS-related conditions. This variant is present in population databases (no rsID available, gnomAD 0.002%). This sequence change replaces serine, which is neutral and polar, with proline, which is neutral and non-polar, at codon 19 of the FAS protein (p.Ser19Pro).

NM_000043.6(FAS):c.55T>C (p.Ser19Pro)

Gene: FAS (Fas cell surface death receptor; plus strand). Cytogenetic location: 10q23.31.
Variant type: single nucleotide variant.
Coding change: c.55T>C on transcript NM_000043.6 (MANE Select); coding-DNA position 55, T replaced by C.
Protein change: p.Ser19Pro; replaces serine 19 with proline.
Molecular consequence: missense variant. On other transcripts: non-coding transcript variant (7).
Genome position (GRCh38, 1-based): chr10:89,003,053, T>C. VCF-style: chr10-89003053-T-C. GRCh37 (hg19) VCF-style: chr10-90762810-T-C.
Other names: c.55T>C, p.Ser19Pro (NM_001320619.2, NM_152871.4, NM_152872.4); c.100T>C, p.Ser34Pro (NM_001410956.1); short protein forms S19P, S34P.
Identifiers: ClinVar variation 2083953 (VCV002083953.4), dbSNP rs1199807438, ClinGen allele CA377507326.